The following is an entry in ClinVar:

ClinVar aggregate classification (germline): Conflicting classifications of pathogenicity. Review status: criteria provided, conflicting classifications (1 of 4 stars). 5 submissions from 5 submitters: Uncertain significance (3); Benign (1); Likely benign (1). Last evaluated 2025-08-29.

Conditions:
Inborn genetic diseases. Identifiers: MedGen C0950123, MeSH D030342.
X-linked sideroblastic anemia 1. Also called: ANEMIA, SIDEROBLASTIC, 1, PYRIDOXINE REFRACTORY; Anemia, sideroblastic, 1; Erythroid 5-aminolevulinate synthase deficiency; X chromosome-linked sideroblastic anemia; X-linked pyridoxine-refractory sideroblastic anemia; Anemia, hereditary sideroblastic 1, pyridoxine refractory. Identifiers: Orphanet 75563, MedGen C4551511, MONDO:0020721, OMIM 300751. Disease mechanism: loss of function.

Allele frequency attached by ClinVar (database versions not stated): gnomAD exomes 0.00002 and 0.00011; ExAC 0.00018; 1000 Genomes Project 30x 0.00021; 1000 Genomes Project 0.00026; TOPMed 0.00027; gnomAD 0.00030; ESP Exome Variant Server 0.00057.
gnomAD v4.1: 58 of 1,208,599 alleles (0.0048%); highest among the groups gnomAD compares: African/African-American, 0.097%; no homozygotes.

Submissions (5):

Labcorp Genetics (formerly Invitae), Labcorp
Classification: Benign. Last evaluated: 2025-08-29. Review status: criteria provided, single submitter. Criteria: Invitae Variant Classification Sherloc (09022015). Collection method: clinical testing. Allele origin: germline.

Ambry Genetics
Classification: Uncertain significance for Inborn genetic diseases. Last evaluated: 2024-09-09. Review status: criteria provided, single submitter. Criteria: Ambry Variant Classification Scheme 2023. Collection method: clinical testing. Allele origin: germline.

Johns Hopkins Genomics, Johns Hopkins University
Classification: Uncertain significance for X-linked sideroblastic anemia 1. Last evaluated: 2023-12-19. Review status: criteria provided, single submitter. Criteria: ACMG Guidelines, 2015. Collection method: clinical testing. Allele origin: germline.
Comment: This ALAS2 missense variant (rs143995220) is rare (<0.1%) in a large population dataset (gnomAD v4.0.0: 58/1208599 total alleles; 0.005%; 12 hemizygotes, no homozygotes). It has been reported in ClinVar (Variation ID 434119), but has not been reported in the literature, to our knowledge. Two bioinformatic tools queried predict that this substitution would be tolerated, and the isoleucine residue at this position is evolutionarily conserved across many of the species assessed. We consider the clinical significance of c.373A>G in ALAS2 to be uncertain at this time.

Blueprint Genetics
Classification: Likely benign. Last evaluated: 2022-07-18. Review status: criteria provided, single submitter. Criteria: ACMG Guidelines, 2015. Collection method: clinical testing. Allele origin: germline.

Genetic Services Laboratory, University of Chicago
Classification: Uncertain significance. Last evaluated: 2017-02-15. Review status: criteria provided, single submitter. Criteria: ACMG Guidelines, 2015. Collection method: clinical testing. Allele origin: germline. Affected: no.

Literature cited by the submitters: PubMed 35093382 (cited by Johns Hopkins Genomics, Johns Hopkins University).

NM_000032.5(ALAS2):c.373A>G (p.Ile125Val)

Genes: ALAS2 (5'-aminolevulinate synthase 2; minus strand), LOC108663984 (ALAS2 intron 1 and 3 erythroid regulatory elements; plus strand). Cytogenetic location: Xp11.21.
Variant type: single nucleotide variant.
Coding change: c.373A>G on transcript NM_000032.5 (MANE Select); coding-DNA position 373, A replaced by G.
Protein change: p.Ile125Val; replaces isoleucine 125 with valine.
Molecular consequence: missense variant. On other transcripts: intron variant (2).
Genome position (GRCh38, 1-based): chrX:55,023,799, T>C on the plus strand (A>G on the coding strand, the complement: ALAS2 is on the minus strand). VCF-style: chrX-55023799-T-C. GRCh37 (hg19) VCF-style: chrX-55050232-T-C.
Other names: c.373A>G, p.Ile125Val (LRG_1163t1); c.304+919A>G (NM_001037967.4); c.376+919A>G (NM_001037968.4); short protein forms I125V.
Identifiers: ClinVar variation 434119 (VCV000434119.13), dbSNP rs143995220, ClinGen allele CA10428433.